The following is an entry in ClinVar:

ClinVar aggregate classification (germline): Likely pathogenic (1 of 4 stars; one submission).

Conditions:
Androgen resistance syndrome (AIS). Also called: ANDROGEN RECEPTOR DEFICIENCY; DIHYDROTESTOSTERONE RECEPTOR DEFICIENCY; Androgen insensitivity syndrome; TESTICULAR FEMINIZATION SYNDROME; Androgen insensitivity; Androgen insensitivity syndrome due to coactivator deficiency. Identifiers: Orphanet 754, Orphanet 99429, MedGen C0039585, MONDO:0019154, OMIM 300068. Disease mechanism: loss of function.
Kennedy disease (SMAX1). Also called: SPINAL AND BULBAR MUSCULAR ATROPHY, X-LINKED 1; Spinal and Bulbar Muscular Atrophy; KENNEDY SPINAL AND BULBAR MUSCULAR ATROPHY. Identifiers: Orphanet 481, MedGen C1839259, MONDO:0010735, OMIM 313200.

Submission:

Labcorp Genetics (formerly Invitae), Labcorp
Classification: Likely pathogenic for Kennedy disease; Androgen resistance syndrome. Last evaluated: 2024-04-01. Review status: criteria provided, single submitter. Criteria: Invitae Variant Classification Sherloc (09022015). Collection method: clinical testing. Allele origin: germline.
Comment: This sequence change replaces serine, which is neutral and polar, with threonine, which is neutral and polar, at codon 579 of the AR protein (p.Ser579Thr). This variant is not present in population databases (gnomAD no frequency). This missense change has been observed in individuals with partial androgen insensitivity syndrome (PMID: 10971094). This variant is also known as S578T. ClinVar contains an entry for this variant (Variation ID: 464791). Advanced modeling of protein sequence and biophysical properties (such as structural, functional, and spatial information, amino acid conservation, physicochemical variation, residue mobility, and thermodynamic stability) has been performed at Invitae for this missense variant, however the output from this modeling did not meet the statistical confidence thresholds required to predict the impact of this variant on AR protein function. Experimental studies have shown that this missense change affects AR function (PMID: 10971094). This variant disrupts the p.Ser579 amino acid residue in AR. Other variant(s) that disrupt this residue have been observed in individuals with AR-related conditions (PMID: 10971094, 20819612, 25613104; Invitae), which suggests that this may be a clinically significant amino acid residue. In summary, the currently available evidence indicates that the variant is pathogenic, but additional data are needed to prove that conclusively. Therefore, this variant has been classified as Likely Pathogenic.

Literature cited by the submitters: PubMed 10971094; PubMed 20819612; PubMed 25613104.

NM_000044.6(AR):c.1736G>C (p.Ser579Thr)

Gene: AR (androgen receptor; plus strand). Cytogenetic location: Xq12.
Variant type: single nucleotide variant.
Coding change: c.1736G>C on transcript NM_000044.6 (MANE Select); coding-DNA position 1736, G replaced by C.
Protein change: p.Ser579Thr; replaces serine 579 with threonine.
Molecular consequence: missense variant. On other transcripts: intron variant (1).
Genome position (GRCh38, 1-based): chrX:67,643,375, G>C. VCF-style: chrX-67643375-G-C. GRCh37 (hg19) VCF-style: chrX-66863217-G-C.
Other names: c.140G>C, p.Ser47Thr (NM_001011645.3); c.1736G>C, p.Ser579Thr (NM_001348061.1, NM_001348063.1); c.1617-42566G>C (NM_001348064.1); short protein forms S579T, S47T.
Identifiers: ClinVar variation 464791 (VCV000464791.6), dbSNP rs1555982879, ClinGen allele CA413422860.